The following is an entry in ClinVar:

NM_015335.5(MED13L):c.6569C>G (p.Ser2190Cys)

Gene: MED13L (mediator complex subunit 13L; minus strand). Cytogenetic location: 12q24.21.
Variant type: single nucleotide variant.
Coding change: c.6569C>G on transcript NM_015335.5 (MANE Select); coding-DNA position 6569, C replaced by G.
Protein change: p.Ser2190Cys; replaces serine 2190 with cysteine.
Molecular consequence: missense variant.
Genome position (GRCh38, 1-based): chr12:115,961,330, G>C on the plus strand (C>G on the coding strand, the complement: MED13L is on the minus strand). VCF-style: chr12-115961330-G-C. GRCh37 (hg19) VCF-style: chr12-116399135-G-C.
Other names: short protein forms S2190C.
Identifiers: ClinVar variation 2192974 (VCV002192974.4), dbSNP rs1161076932, ClinGen allele CA386872615.

ClinVar aggregate classification (germline): Uncertain significance (1 of 4 stars; one submission).

Conditions:
Dextro-looped transposition of the great arteries. Also called: Dextrotransposition of the great arteries. Identifiers: Orphanet 860, MedGen C3531771, MONDO:0019443, OMIM 608808, HP:0031348.

Allele frequency attached by ClinVar (database versions not stated): gnomAD exomes below 0.00001; TOPMed below 0.00001.
gnomAD v4.1: 3 of 1,614,188 alleles (0.00019%); highest among the groups gnomAD compares: Admixed American, 0.0033%; no homozygotes.

Submission:

Labcorp Genetics (formerly Invitae), Labcorp
Classification: Uncertain significance for Dextro-looped transposition of the great arteries. Last evaluated: 2022-08-23. Review status: criteria provided, single submitter. Criteria: Invitae Variant Classification Sherloc (09022015). Collection method: clinical testing. Allele origin: germline.
Comment: This sequence change replaces serine, which is neutral and polar, with cysteine, which is neutral and slightly polar, at codon 2190 of the MED13L protein (p.Ser2190Cys). This variant is present in population databases (no rsID available, gnomAD 0.006%). In summary, the available evidence is currently insufficient to determine the role of this variant in disease. Therefore, it has been classified as a Variant of Uncertain Significance. Advanced modeling of protein sequence and biophysical properties (such as structural, functional, and spatial information, amino acid conservation, physicochemical variation, residue mobility, and thermodynamic stability) performed at Invitae indicates that this missense variant is expected to disrupt MED13L protein function. This variant has not been reported in the literature in individuals affected with MED13L-related conditions.